The following is an entry in ClinVar:

NM_014585.6(SLC40A1):c.533G>A (p.Arg178Gln)

Gene: SLC40A1 (solute carrier family 40 member 1; minus strand). Cytogenetic location: 2q32.2.
Variant type: single nucleotide variant.
Coding change: c.533G>A on transcript NM_014585.6 (MANE Select); coding-DNA position 533, G replaced by A.
Protein change: p.Arg178Gln; replaces arginine 178 with glutamine.
Molecular consequence: missense variant.
Genome position (GRCh38, 1-based): chr2:189,565,581, C>T on the plus strand (G>A on the coding strand, the complement: SLC40A1 is on the minus strand). VCF-style: chr2-189565581-C-T. GRCh37 (hg19) VCF-style: chr2-190430307-C-T.
Other names: short protein forms R178Q.
Identifiers: ClinVar variation 839124 (VCV000839124.11), dbSNP rs1449300685, ClinGen allele CA349988987.

ClinVar aggregate classification (germline): Pathogenic/Likely pathogenic. Review status: criteria provided, multiple submitters, no conflicts (2 of 4 stars). 2 submissions from 2 submitters: Pathogenic (1); Likely pathogenic (1). Last evaluated 2025-12-17.

Conditions:
Hemochromatosis type 4 (HFE4). Also called: Ferroportin disease; HEMOCHROMATOSIS DUE TO DEFECT IN FERROPORTIN; HEMOCHROMATOSIS, AUTOSOMAL DOMINANT. Identifiers: Orphanet 139491, Orphanet 647834, Orphanet 648562, MedGen C1853733, MONDO:0011631, OMIM 606069.

Submissions (2):

Labcorp Genetics (formerly Invitae), Labcorp
Classification: Pathogenic for Hemochromatosis type 4. Last evaluated: 2025-12-17. Review status: criteria provided, single submitter. Criteria: Invitae Variant Classification Sherloc (09022015). Collection method: clinical testing. Allele origin: germline.
Comment: This sequence change replaces arginine, which is basic and polar, with glutamine, which is neutral and polar, at codon 178 of the SLC40A1 protein (p.Arg178Gln). This variant is not present in population databases (gnomAD no frequency). This missense change has been observed in individuals with hereditary hemochromatosis (PMID: 17951290, 17997113, 21199650, 30002125). It has also been observed to segregate with disease in related individuals. This variant is also known as R178G. ClinVar contains an entry for this variant (Variation ID: 839124). Invitae Evidence Modeling of protein sequence and biophysical properties (such as structural, functional, and spatial information, amino acid conservation, physicochemical variation, residue mobility, and thermodynamic stability) has been performed for this missense variant. However, the output from this modeling did not meet the statistical confidence thresholds required to predict the impact of this variant on SLC40A1 protein function. Experimental studies have shown that this missense change affects SLC40A1 function (PMID: 30002125). For these reasons, this variant has been classified as Pathogenic.

Laboratory of Molecular Genetics and Genomics, Rennes University Hospital
Classification: Likely pathogenic for Hemochromatosis type 4. Last evaluated: 2020-07-01. Review status: criteria provided, single submitter. Criteria: ACMG Guidelines, 2015. Collection method: clinical testing. Allele origin: germline. Affected: yes.
Comment: Identified in 6 patients harbouring clinical and biochemical symptomes of type 4 haemochromatosis

Literature cited by the submitters: PubMed 17951290 (cited by Labcorp Genetics (formerly Invitae), Labcorp and Laboratory of Molecular Genetics and Genomics, Rennes University Hospital); PubMed 17997113 (cited by Labcorp Genetics (formerly Invitae), Labcorp); PubMed 21199650 (cited by Labcorp Genetics (formerly Invitae), Labcorp and Laboratory of Molecular Genetics and Genomics, Rennes University Hospital); PubMed 30002125 (cited by Labcorp Genetics (formerly Invitae), Labcorp).